The following is an entry in ClinVar:

ClinVar aggregate classification (germline): Uncertain significance (1 of 4 stars; one submission).

gnomAD v4.1: 2 of 1,614,072 alleles (0.00012%); highest among the groups gnomAD compares: South Asian, 0.0011%; no homozygotes.

Submission:

GeneDx
Classification: Uncertain significance. Last evaluated: 2024-12-26. Review status: criteria provided, single submitter. Criteria: GeneDx Variant Classification Process June 2021. Collection method: clinical testing. Allele origin: germline. Affected: yes.
Comment: Not observed at significant frequency in large population cohorts (gnomAD); In silico analysis indicates that this missense variant does not alter protein structure/function; Has not been previously published as pathogenic or benign to our knowledge

NM_001378454.1(ALMS1):c.2516C>T (p.Ala839Val)

Gene: ALMS1 (ALMS1 centrosome and basal body associated protein; plus strand). Cytogenetic location: 2p13.1.
Variant type: single nucleotide variant.
Coding change: c.2516C>T on transcript NM_001378454.1 (MANE Select); coding-DNA position 2516, C replaced by T.
Protein change: p.Ala839Val; replaces alanine 839 with valine.
Molecular consequence: missense variant.
Genome position (GRCh38, 1-based): chr2:73,449,043, C>T. VCF-style: chr2-73449043-C-T. GRCh37 (hg19) VCF-style: chr2-73676170-C-T.
Other names: c.2519C>T, p.Ala840Val (NM_015120.4); short protein forms A839V, A840V.
Identifiers: ClinVar variation 3907848 (VCV003907848.1).